The following is an entry in ClinVar:

NM_001099403.2(PRDM8):c.1283C>T (p.Ala428Val)

Gene: PRDM8 (PR/SET domain 8; plus strand). Cytogenetic location: 4q21.21.
Variant type: single nucleotide variant.
Coding change: c.1283C>T on transcript NM_001099403.2 (MANE Select); coding-DNA position 1283, C replaced by T.
Protein change: p.Ala428Val; replaces alanine 428 with valine.
Molecular consequence: missense variant.
Genome position (GRCh38, 1-based): chr4:80,202,745, C>T. VCF-style: chr4-80202745-C-T. GRCh37 (hg19) VCF-style: chr4-81123899-C-T.
Other names: c.1283C>T, p.Ala428Val (NM_020226.4); short protein forms A428V.
Identifiers: ClinVar variation 1359793 (VCV001359793.6), dbSNP rs1185570106, ClinGen allele CA357399847.

ClinVar aggregate classification (germline): Uncertain significance (1 of 4 stars; one submission).

Conditions:
Early-onset Lafora body disease. Also called: Epilepsy, progressive myoclonic, 10. Identifiers: Orphanet 324290, MedGen C4225258, MONDO:0014717, OMIM 616640.

Allele frequency attached by ClinVar (database versions not stated): gnomAD 0.00001; TOPMed 0.00001.
gnomAD v4.1: 4 of 1,287,140 alleles (0.00031%); highest among the groups gnomAD compares: Non-Finnish European, 0.00039%; no homozygotes.

Submission:

Labcorp Genetics (formerly Invitae), Labcorp
Classification: Uncertain significance for Early-onset Lafora body disease. Last evaluated: 2022-09-13. Review status: criteria provided, single submitter. Criteria: Invitae Variant Classification Sherloc (09022015). Collection method: clinical testing. Allele origin: germline.
Comment: This sequence change replaces alanine, which is neutral and non-polar, with valine, which is neutral and non-polar, at codon 428 of the PRDM8 protein (p.Ala428Val). This variant is not present in population databases (gnomAD no frequency). This variant has not been reported in the literature in individuals affected with PRDM8-related conditions. ClinVar contains an entry for this variant (Variation ID: 1359793). Advanced modeling of protein sequence and biophysical properties (such as structural, functional, and spatial information, amino acid conservation, physicochemical variation, residue mobility, and thermodynamic stability) performed at Invitae indicates that this missense variant is not expected to disrupt PRDM8 protein function. In summary, the available evidence is currently insufficient to determine the role of this variant in disease. Therefore, it has been classified as a Variant of Uncertain Significance.